The following is an entry in ClinVar:

NM_014714.4(IFT140):c.-17G>C

Genes: IFT140 (intraflagellar transport 140; minus strand), LOC105371046 (uncharacterized LOC105371046; plus strand). Cytogenetic location: 16p13.3.
Variant type: single nucleotide variant.
Coding change: c.-17G>C on transcript NM_014714.4 (MANE Select); 17 bases upstream of the start codon, G replaced by C.
Molecular consequence: 5 prime UTR variant.
Genome position (GRCh38, 1-based): chr16:1,607,283, C>G on the plus strand (G>C on the coding strand, the complement: IFT140 is on the minus strand). VCF-style: chr16-1607283-C-G. GRCh37 (hg19) VCF-style: chr16-1657284-C-G.
Identifiers: ClinVar variation 318223 (VCV000318223.12), dbSNP rs1894649, ClinGen allele CA7814863.

ClinVar aggregate classification (germline): Benign. Review status: criteria provided, multiple submitters, no conflicts (2 of 4 stars). 9 submissions from 8 submitters: Benign (8). 1 of the submissions does not count toward it. Last evaluated 2025-09-08.

Conditions:
Retinitis pigmentosa 80 (RP80). Identifiers: MedGen C4540439, MONDO:0054708, OMIM 617781.
Saldino-Mainzer syndrome (SRTD9). Also called: CONORENAL SYNDROME; Renal dysplasia, retinal pigmentary dystrophy, cerebellar ataxia and skeletal dysplasia; short-rib thoracic dysplasia 9 with or without polydactyly; SHORT-RIB THORACIC DYSPLASIA 9 WITHOUT POLYDACTYLY. Identifiers: Orphanet 140969, MedGen C1849437, MONDO:0009964, OMIM 266920.

Allele frequency attached by ClinVar (database versions not stated): gnomAD exomes 0.34849 and 0.40333; ExAC 0.40035; ESP Exome Variant Server 0.43845; gnomAD 0.44307 and 0.44364; TOPMed 0.45330; 1000 Genomes Project 0.51498; 1000 Genomes Project 30x 0.51593.

Submissions (9):

Women's Health and Genetics/Laboratory Corporation of America, LabCorp
Classification: Benign. Last evaluated: 2025-09-08. Review status: criteria provided, single submitter. Criteria: LabCorp Variant Classification Summary - May 2015. Collection method: clinical testing. Allele origin: germline.

Blueprint Genetics
Classification: Benign. Last evaluated: 2024-11-28. Review status: criteria provided, single submitter. Criteria: ACMG Guidelines, 2015. Collection method: clinical testing. Allele origin: germline.

Genome-Nilou Lab
Classification: Benign for Retinitis pigmentosa 80. Last evaluated: 2021-07-14. Review status: criteria provided, single submitter. Criteria: ACMG Guidelines, 2015. Collection method: clinical testing. Allele origin: germline. Affected: no.

Genome-Nilou Lab
Classification: Benign for Saldino-Mainzer syndrome. Last evaluated: 2021-07-14. Review status: criteria provided, single submitter. Criteria: ACMG Guidelines, 2015. Collection method: clinical testing. Allele origin: germline. Affected: no.

Illumina Laboratory Services, Illumina
Classification: Benign for Saldino-Mainzer syndrome. Last evaluated: 2018-01-12. Review status: criteria provided, single submitter. Criteria: ICSL Variant Classification Criteria 13 December 2019. Collection method: clinical testing. Allele origin: germline.
Comment: This variant was observed in the ICSL laboratory as part of a predisposition screen in an ostensibly healthy population. It had not been previously curated by ICSL or reported in the Human Gene Mutation Database (HGMD: prior to June 1st, 2018), and was therefore a candidate for classification through an automated scoring system. Utilizing variant allele frequency, disease prevalence and penetrance estimates, and inheritance mode, an automated score was calculated to assess if this variant is too frequent to cause the disease. Based on the score and internal cut-off values, a variant classified as benign is not then subjected to further curation. The score for this variant resulted in a classification of benign for this disease.

GeneDx
Classification: Benign. Last evaluated: 2017-09-13. Review status: criteria provided, single submitter. Criteria: GeneDx Variant Classification (06012015). Collection method: clinical testing. Allele origin: germline. Affected: yes.
Comment: This variant is considered likely benign or benign based on one or more of the following criteria: it is a conservative change, it occurs at a poorly conserved position in the protein, it is predicted to be benign by multiple in silico algorithms, and/or has population frequency not consistent with disease.

Clinical Genetics DNA and cytogenetics Diagnostics Lab, Erasmus MC, Erasmus Medical Center
Classification: Benign for Saldino-Mainzer syndrome. Last evaluated: 2015-09-21. Review status: criteria provided, single submitter. Criteria: ACGS Guidelines, 2013. Collection method: clinical testing. Allele origin: germline. Affected: yes. Study: VKGL Data-share Consensus.

Breakthrough Genomics
Classification: Benign. Review status: criteria provided, single submitter. Criteria: ACMG Guidelines, 2015. Collection method: not provided. Allele origin: germline. Inheritance: Autosomal recessive inheritance. Affected: yes.

Diagnostic Laboratory, Department of Genetics, University Medical Center Groningen
Classification: Benign for Saldino-Mainzer syndrome. Review status: no assertion criteria provided. Collection method: clinical testing. Allele origin: germline. Affected: yes. Study: VKGL Data-share Consensus. Not counted in ClinVar's aggregate classification.